The following is an entry in ClinVar:

NM_001127208.3(TET2):c.1945C>G (p.Gln649Glu)

Genes: TET2 (tet methylcytosine dioxygenase 2; plus strand), TET2-AS1 (TET2 antisense RNA 1; minus strand). Cytogenetic location: 4q24.
Variant type: single nucleotide variant.
Coding change: c.1945C>G on transcript NM_001127208.3 (MANE Select); coding-DNA position 1945, C replaced by G.
Protein change: p.Gln649Glu; replaces glutamine 649 with glutamic acid.
Molecular consequence: missense variant.
Genome position (GRCh38, 1-based): chr4:105,235,887, C>G. VCF-style: chr4-105235887-C-G. GRCh37 (hg19) VCF-style: chr4-106157044-C-G.
Other names: c.1945C>G, p.Gln649Glu (NM_017628.4); short protein forms Q649E.
Identifiers: ClinVar variation 4183051 (VCV004183051.1).

ClinVar aggregate classification (germline): Uncertain significance (1 of 4 stars; one submission).

gnomAD v4.1: 9 of 1,613,886 alleles (0.00056%); highest among the groups gnomAD compares: South Asian, 0.0099%; no homozygotes.

Submission:

Ambry Genetics
Classification: Uncertain significance. Last evaluated: 2025-08-31. Review status: criteria provided, single submitter. Criteria: Ambry Variant Classification Scheme 2023. Collection method: clinical testing. Allele origin: germline.
Comment: The p.Q649E variant (also known as c.1945C>G), located in coding exon 1 of the TET2 gene, results from a C to G substitution at nucleotide position 1945. The glutamine at codon 649 is replaced by glutamic acid, an amino acid with highly similar properties. This amino acid position is conserved. In addition, this alteration is predicted to be tolerated by in silico analysis. Based on the available evidence, the clinical significance of this variant remains unclear.